The following is an entry in ClinVar:

ClinVar aggregate classification (germline): Uncertain significance (0 of 4 stars; one submission).

Conditions:
SIM1-related disorder. Also called: SIM1-related condition; SIM1-related disorders.

gnomAD v4.1: 52 of 1,613,996 alleles (0.0032%); highest among the groups gnomAD compares: Non-Finnish European, 0.0041%; no homozygotes.

Submission:

PreventionGenetics, part of Exact Sciences
Classification: Uncertain significance for SIM1-related condition. Last evaluated: 2024-03-22. Review status: no assertion criteria provided. Collection method: clinical testing. Allele origin: germline.
Comment: The SIM1 c.1795G>A variant is predicted to result in the amino acid substitution p.Gly599Arg. To our knowledge, this variant has not been reported in the literature. This variant is reported in 0.0033% of alleles in individuals of South Asian descent in gnomAD. At this time, the clinical significance of this variant is uncertain due to the absence of conclusive functional and genetic evidence.

NM_005068.3(SIM1):c.1795G>A (p.Gly599Arg)

Gene: SIM1 (SIM bHLH transcription factor 1; minus strand). Cytogenetic location: 6q16.3.
Variant type: single nucleotide variant.
Coding change: c.1795G>A on transcript NM_005068.3 (MANE Select); coding-DNA position 1795, G replaced by A.
Protein change: p.Gly599Arg; replaces glycine 599 with arginine.
Molecular consequence: missense variant.
Genome position (GRCh38, 1-based): chr6:100,390,867, C>T on the plus strand (G>A on the coding strand, the complement: SIM1 is on the minus strand). VCF-style: chr6-100390867-C-T. GRCh37 (hg19) VCF-style: chr6-100838743-C-T.
Other names: c.1795G>A, p.Gly599Arg (NM_001374769.1); short protein forms G599R.
Identifiers: ClinVar variation 3352592 (VCV003352592.1).